The following is an entry in ClinVar:

ClinVar aggregate classification (germline): Uncertain significance (1 of 4 stars; one submission).

Conditions:
Axenfeld-Rieger syndrome type 3 (RIEG3). Also called: AXENFELD-RIEGER ANOMALY WITH CARDIAC DEFECTS AND/OR SENSORINEURAL HEARING LOSS. Identifiers: Orphanet 782, MedGen C2678503, MONDO:0011233, OMIM 602482.

Submission:

Labcorp Genetics (formerly Invitae), Labcorp
Classification: Uncertain significance for Axenfeld-Rieger syndrome type 3. Last evaluated: 2025-09-06. Review status: criteria provided, single submitter. Criteria: Invitae Variant Classification Sherloc (09022015). Collection method: clinical testing. Allele origin: germline.
Comment: This sequence change replaces proline, which is neutral and non-polar, with arginine, which is basic and polar, at codon 278 of the FOXC1 protein (p.Pro278Arg). This variant is not present in population databases (gnomAD no frequency). This variant has not been reported in the literature in individuals affected with FOXC1-related conditions. An algorithm developed to predict the effect of missense changes on protein structure and function (PolyPhen-2) suggests that this variant is likely to be disruptive. In summary, the available evidence is currently insufficient to determine the role of this variant in disease. Therefore, it has been classified as a Variant of Uncertain Significance.

NM_001453.3(FOXC1):c.833C>G (p.Pro278Arg)

Gene: FOXC1 (forkhead box C1; plus strand). Cytogenetic location: 6p25.3.
Variant type: single nucleotide variant.
Coding change: c.833C>G on transcript NM_001453.3 (MANE Select); coding-DNA position 833, C replaced by G.
Protein change: p.Pro278Arg; replaces proline 278 with arginine.
Molecular consequence: missense variant.
Genome position (GRCh38, 1-based): chr6:1,611,278, C>G. VCF-style: chr6-1611278-C-G. GRCh37 (hg19) VCF-style: chr6-1611513-C-G.
Other names: short protein forms P278R.
Identifiers: ClinVar variation 4805970 (VCV004805970.1).
Genomic context (GRCh38, chr6:1,611,278, plus strand): 5'-AGAGCCCCGACAGCAGCAGCAGCAGCCTGTCCAGCGGGAGCAGCCCCCCGGGCAGCCTGC[C>G]GTCGGCGCGGCCGCTCAGCCTGGACGGTGCGGATTCCGCGCCGCCGCCGCCCGCGCCCTC-3'
Protein context (NP_001444.2, residues 268-288): SSGSSPPGSL[Pro278Arg]SARPLSLDGA